The following is an entry in ClinVar:

ClinVar aggregate classification (germline): Uncertain significance (1 of 4 stars; one submission).

Allele frequency attached by ClinVar (database versions not stated): gnomAD exomes below 0.00001.
gnomAD v4.1: 1 of 1,614,062 alleles (0.000062%); highest among the groups gnomAD compares: Admixed American, 0.0017%; no homozygotes.

Submission:

Labcorp Genetics (formerly Invitae), Labcorp
Classification: Uncertain significance. Last evaluated: 2023-07-29. Review status: criteria provided, single submitter. Criteria: Invitae Variant Classification Sherloc (09022015). Collection method: clinical testing. Allele origin: germline.
Comment: In summary, the available evidence is currently insufficient to determine the role of this variant in disease. Therefore, it has been classified as a Variant of Uncertain Significance. Advanced modeling of protein sequence and biophysical properties (such as structural, functional, and spatial information, amino acid conservation, physicochemical variation, residue mobility, and thermodynamic stability) performed at Invitae indicates that this missense variant is not expected to disrupt KL protein function. This variant has not been reported in the literature in individuals affected with KL-related conditions. This variant is present in population databases (no rsID available, gnomAD 0.003%). This sequence change replaces leucine, which is neutral and non-polar, with arginine, which is basic and polar, at codon 403 of the KL protein (p.Leu403Arg).

NM_004795.4(KL):c.1208T>G (p.Leu403Arg)

Gene: KL (klotho; plus strand). Cytogenetic location: 13q13.1.
Variant type: single nucleotide variant.
Coding change: c.1208T>G on transcript NM_004795.4 (MANE Select); coding-DNA position 1208, T replaced by G.
Protein change: p.Leu403Arg; replaces leucine 403 with arginine.
Molecular consequence: missense variant.
Genome position (GRCh38, 1-based): chr13:33,054,155, T>G. VCF-style: chr13-33054155-T-G. GRCh37 (hg19) VCF-style: chr13-33628292-T-G.
Other names: short protein forms L403R.
Identifiers: ClinVar variation 2797521 (VCV002797521.3), dbSNP rs1426575900, ClinGen allele CA387791353.